The following is an entry in ClinVar:

NM_000218.3(KCNQ1):c.1394-5548C>T

Genes: KCNQ1 (potassium voltage-gated channel subfamily Q member 1; plus strand), KCNQ1OT1 (KCNQ1 opposite strand/antisense transcript 1; minus strand). Cytogenetic location: 11p15.5.
Variant type: single nucleotide variant.
Coding change: c.1394-5548C>T on transcript NM_000218.3 (MANE Select); 5548 bases into the intron before coding-DNA position 1394, C replaced by T.
Molecular consequence: intron variant.
Genome position (GRCh38, 1-based): chr11:2,656,413, C>T. VCF-style: chr11-2656413-C-T. GRCh37 (hg19) VCF-style: chr11-2677643-C-T.
Other names: c.1124-5548C>T (NM_001406837.1); c.1298-5548C>T (NM_001406836.1); c.854-5548C>T (NM_001406838.1); c.1013-5548C>T (NM_181798.2).
Identifiers: ClinVar variation 1711294 (VCV001711294.30), dbSNP rs144890578, ClinGen allele CA216166790.

ClinVar aggregate classification (germline): Likely benign (1 of 4 stars; one submission).

Allele frequency attached by ClinVar (database versions not stated): 1000 Genomes Project 30x 0.00156; 1000 Genomes Project 0.00180; gnomAD 0.00371; TOPMed 0.00424; gnomAD exomes 0.00513.
gnomAD v4.1: 1,901 of 398,670 alleles (0.48%); highest among the groups gnomAD compares: Middle Eastern, 0.75%; 18 homozygotes.

Submission:

CeGaT Center for Human Genetics Tuebingen
Classification: Likely benign. Last evaluated: 2026-09-01. Review status: criteria provided, single submitter. Criteria: CeGaT Center For Human Genetics Tuebingen Variant Classification Criteria Version 2. Collection method: clinical testing. Allele origin: germline. Affected: yes. Observed: 113 variant alleles.
Comment: KCNQ1OT1: BS2